The following is an entry in ClinVar:

NM_004329.3(BMPR1A):c.1315G>A (p.Glu439Lys)

Gene: BMPR1A (bone morphogenetic protein receptor type 1A; plus strand). Cytogenetic location: 10q23.2.
Variant type: single nucleotide variant.
Coding change: c.1315G>A on transcript NM_004329.3 (MANE Select); coding-DNA position 1315, G replaced by A.
Protein change: p.Glu439Lys; replaces glutamic acid 439 with lysine.
Molecular consequence: missense variant. On other transcripts: non-coding transcript variant (3).
Genome position (GRCh38, 1-based): chr10:86,921,668, G>A. VCF-style: chr10-86921668-G-A. GRCh37 (hg19) VCF-style: chr10-88681425-G-A.
Other names: c.1390G>A, p.Glu464Lys (NM_001406559.1); c.1363G>A, p.Glu455Lys (NM_001406560.1); c.1315G>A, p.Glu439Lys (NM_001406561.1, NM_001406562.1, NM_001406563.1 and 19 more transcripts); c.1309G>A, p.Glu437Lys (NM_001406583.1); c.1231G>A, p.Glu411Lys (NM_001406584.1, NM_001406585.1, NM_001406586.1 and 2 more transcripts); c.973G>A, p.Glu325Lys (NM_001406589.1); short protein forms E325K, E439K, E411K, E455K, E437K, E464K.
Identifiers: ClinVar variation 3661511 (VCV003661511.2).
Genomic context (GRCh38, chr10:86,921,668, plus strand): 5'-AAAAACCACTTCCAGCCCTACATCATGGCTGACATCTACAGCTTCGGCCTAATCATTTGG[G>A]AGATGGCTCGTCGTTGTATCACAGGAGGTGGGAGTTTGAGTAGTTTCTGATTATGTTGAT-3'
Protein context (NP_004320.2, residues 429-449): DIYSFGLIIW[Glu439Lys]MARRCITGGI

ClinVar aggregate classification (germline): Uncertain significance (1 of 4 stars; one submission).

Conditions:
Juvenile polyposis syndrome (JPS). Identifiers: Orphanet 2929, MedGen C0345893, MONDO:0017380, OMIM 174900.

Submission:

Labcorp Genetics (formerly Invitae), Labcorp
Classification: Uncertain significance for Juvenile polyposis syndrome. Last evaluated: 2024-08-06. Review status: criteria provided, single submitter. Criteria: Invitae Variant Classification Sherloc (09022015). Collection method: clinical testing. Allele origin: germline.
Comment: This sequence change replaces glutamic acid, which is acidic and polar, with lysine, which is basic and polar, at codon 439 of the BMPR1A protein (p.Glu439Lys). This variant is not present in population databases (gnomAD no frequency). This variant has not been reported in the literature in individuals affected with BMPR1A-related conditions. Advanced modeling of protein sequence and biophysical properties (such as structural, functional, and spatial information, amino acid conservation, physicochemical variation, residue mobility, and thermodynamic stability) has been performed at Invitae for this missense variant, however the output from this modeling did not meet the statistical confidence thresholds required to predict the impact of this variant on BMPR1A protein function. In summary, the available evidence is currently insufficient to determine the role of this variant in disease. Therefore, it has been classified as a Variant of Uncertain Significance.